The following is an entry in ClinVar:

NM_000384.3(APOB):c.12683T>C (p.Leu4228Pro)

Gene: APOB (apolipoprotein B; minus strand). Cytogenetic location: 2p24.1.
Variant type: single nucleotide variant.
Coding change: c.12683T>C on transcript NM_000384.3 (MANE Select); coding-DNA position 12683, T replaced by C.
Protein change: p.Leu4228Pro; replaces leucine 4228 with proline.
Molecular consequence: missense variant.
Genome position (GRCh38, 1-based): chr2:21,002,739, A>G on the plus strand (T>C on the coding strand, the complement: APOB is on the minus strand). VCF-style: chr2-21002739-A-G. GRCh37 (hg19) VCF-style: chr2-21225611-A-G.
Other names: short protein forms L4228P.
Identifiers: ClinVar variation 3933356 (VCV003933356.1).

ClinVar aggregate classification (germline): Uncertain significance (1 of 4 stars; one submission).

Conditions:
Cardiovascular phenotype. Identifiers: MedGen CN230736.

Submission:

Ambry Genetics
Classification: Uncertain significance for Cardiovascular phenotype. Last evaluated: 2025-06-07. Review status: criteria provided, single submitter. Criteria: Ambry Variant Classification Scheme 2023. Collection method: clinical testing. Allele origin: germline.
Comment: The p.L4228P variant (also known as c.12683T>C), located in coding exon 29 of the APOB gene, results from a T to C substitution at nucleotide position 12683. The leucine at codon 4228 is replaced by proline, an amino acid with similar properties. This amino acid position is conserved. In addition, the in silico prediction for this alteration is inconclusive. Based on the available evidence, the clinical significance of this variant remains unclear.